The following is an entry in ClinVar:

NM_001256447.2(BCAP31):c.67T>C (p.Cys23Arg)

Gene: BCAP31 (B cell receptor associated protein 31; minus strand). Cytogenetic location: Xq28.
Variant type: single nucleotide variant.
Coding change: c.67T>C on transcript NM_001256447.2 (MANE Select); coding-DNA position 67, T replaced by C.
Protein change: p.Cys23Arg; replaces cysteine 23 with arginine.
Molecular consequence: missense variant.
Genome position (GRCh38, 1-based): chrX:153,723,178, A>G on the plus strand (T>C on the coding strand, the complement: BCAP31 is on the minus strand). VCF-style: chrX-153723178-A-G. GRCh37 (hg19) VCF-style: chrX-152988633-A-G.
Other names: c.67T>C, p.Cys23Arg (NM_001139441.1, NM_005745.8); c.268T>C, p.Cys90Arg (NM_001139457.2); short protein forms C23R, C90R.
Identifiers: ClinVar variation 1718471 (VCV001718471.5), dbSNP rs2522249883, ClinGen allele CA415096036.

ClinVar aggregate classification (germline): Likely pathogenic (1 of 4 stars; one submission).

Submission:

Labcorp Genetics (formerly Invitae), Labcorp
Classification: Likely pathogenic. Last evaluated: 2023-09-20. Review status: criteria provided, single submitter. Criteria: Invitae Variant Classification Sherloc (09022015). Collection method: clinical testing. Allele origin: germline.
Comment: In summary, the currently available evidence indicates that the variant is pathogenic, but additional data are needed to prove that conclusively. Therefore, this variant has been classified as Likely Pathogenic. An algorithm developed to predict the effect of missense changes on protein structure and function (PolyPhen-2) suggests that this variant is likely to be disruptive. ClinVar contains an entry for this variant (Variation ID: 1718471). This missense change has been observed in individual(s) with BCAP31-related conditions (Invitae). In at least one individual the variant was observed to be de novo. This variant is not present in population databases (gnomAD no frequency). This sequence change replaces cysteine, which is neutral and slightly polar, with arginine, which is basic and polar, at codon 23 of the BCAP31 protein (p.Cys23Arg).